The following is an entry in ClinVar:

ClinVar aggregate classification (germline): Uncertain significance (1 of 4 stars; one submission).

Conditions:
Arrhythmogenic right ventricular dysplasia 10. Also called: Arrhythmogenic Right Ventricular Dysplasia/Cardiomyopathy10; ARRHYTHMOGENIC RIGHT VENTRICULAR DYSPLASIA, FAMILIAL, 10; Arrhythmogenic right ventricular dysplasia/cardiomyopathy, type 10. Identifiers: MedGen C1857777, MONDO:0012434, OMIM 610193.

Submission:

Labcorp Genetics (formerly Invitae), Labcorp
Classification: Uncertain significance for Arrhythmogenic right ventricular dysplasia 10. Last evaluated: 2021-12-24. Review status: criteria provided, single submitter. Criteria: Invitae Variant Classification Sherloc (09022015). Collection method: clinical testing. Allele origin: germline.
Comment: This variant has not been reported in the literature in individuals affected with DSG2-related conditions. This sequence change replaces alanine, which is neutral and non-polar, with proline, which is neutral and non-polar, at codon 50 of the DSG2 protein (p.Ala50Pro). This variant is not present in population databases (gnomAD no frequency). Algorithms developed to predict the effect of missense changes on protein structure and function are either unavailable or do not agree on the potential impact of this missense change (SIFT: "Tolerated"; PolyPhen-2: "Possibly Damaging"; Align-GVGD: "Class C0"). In summary, the available evidence is currently insufficient to determine the role of this variant in disease. Therefore, it has been classified as a Variant of Uncertain Significance.

NM_001943.5(DSG2):c.148G>C (p.Ala50Pro)

Gene: DSG2 (desmoglein 2; plus strand). Cytogenetic location: 18q12.1.
Variant type: single nucleotide variant.
Coding change: c.148G>C on transcript NM_001943.5 (MANE Select); coding-DNA position 148, G replaced by C.
Protein change: p.Ala50Pro; replaces alanine 50 with proline.
Molecular consequence: missense variant.
Genome position (GRCh38, 1-based): chr18:31,519,869, G>C. VCF-style: chr18-31519869-G-C. GRCh37 (hg19) VCF-style: chr18-29099832-G-C.
Other names: short protein forms A50P.
Identifiers: ClinVar variation 2058090 (VCV002058090.4), dbSNP rs1267795586, ClinGen allele CA402130792.